The following is an entry in ClinVar:

ClinVar aggregate classification (germline): Uncertain significance (1 of 4 stars; one submission).

Submission:

Labcorp Genetics (formerly Invitae), Labcorp
Classification: Uncertain significance. Last evaluated: 2024-04-25. Review status: criteria provided, single submitter. Criteria: Invitae Variant Classification Sherloc (09022015). Collection method: clinical testing. Allele origin: germline.
Comment: This sequence change replaces valine, which is neutral and non-polar, with isoleucine, which is neutral and non-polar, at codon 1708 of the VPS13C protein (p.Val1708Ile). This variant is not present in population databases (gnomAD no frequency). This variant has not been reported in the literature in individuals affected with VPS13C-related conditions. ClinVar contains an entry for this variant (Variation ID: 1394819). Advanced modeling of protein sequence and biophysical properties (such as structural, functional, and spatial information, amino acid conservation, physicochemical variation, residue mobility, and thermodynamic stability) performed at Invitae indicates that this missense variant is not expected to disrupt VPS13C protein function with a negative predictive value of 80%. In summary, the available evidence is currently insufficient to determine the role of this variant in disease. Therefore, it has been classified as a Variant of Uncertain Significance.

NM_020821.3(VPS13C):c.5122G>A (p.Val1708Ile)

Gene: VPS13C (vacuolar protein sorting 13 homolog C; minus strand). Cytogenetic location: 15q22.2.
Variant type: single nucleotide variant.
Coding change: c.5122G>A on transcript NM_020821.3 (MANE Select); coding-DNA position 5122, G replaced by A.
Protein change: p.Val1708Ile; replaces valine 1708 with isoleucine.
Molecular consequence: missense variant.
Genome position (GRCh38, 1-based): chr15:61,945,741, C>T on the plus strand (G>A on the coding strand, the complement: VPS13C is on the minus strand). VCF-style: chr15-61945741-C-T. GRCh37 (hg19) VCF-style: chr15-62237940-C-T.
Other names: c.5122G>A, p.Val1708Ile (NM_001018088.3); c.4993G>A, p.Val1665Ile (NM_017684.5, NM_018080.4); short protein forms V1708I, V1665I.
Identifiers: ClinVar variation 1394819 (VCV001394819.6), dbSNP rs75099400, ClinGen allele CA392691697.